The following is an entry in ClinVar:

ClinVar aggregate classification (germline): Uncertain significance (1 of 4 stars; one submission).

Conditions:
Neurodegeneration with brain iron accumulation 5 (NBIA5). Also called: Beta-propeller protein-associated neurodegeneration; STATIC ENCEPHALOPATHY OF CHILDHOOD WITH NEURODEGENERATION IN ADULTHOOD. Identifiers: Orphanet 329284, MedGen C3550973, MONDO:0010476, OMIM 300894.

Submission:

Labcorp Genetics (formerly Invitae), Labcorp
Classification: Uncertain significance for Neurodegeneration with brain iron accumulation 5. Last evaluated: 2020-01-28. Review status: criteria provided, single submitter. Criteria: Invitae Variant Classification Sherloc (09022015). Collection method: clinical testing. Allele origin: germline.
Comment: This sequence change replaces lysine with threonine at codon 259 of the WDR45 protein (p.Lys259Thr). The lysine residue is highly conserved and there is a moderate physicochemical difference between lysine and threonine. This variant is not present in population databases (ExAC no frequency). This variant has not been reported in the literature in individuals with WDR45-related conditions. Algorithms developed to predict the effect of missense changes on protein structure and function are either unavailable or do not agree on the potential impact of this missense change (SIFT: "Deleterious"; PolyPhen-2: "Benign"; Align-GVGD: "Class C65"). In summary, the available evidence is currently insufficient to determine the role of this variant in disease. Therefore, it has been classified as a Variant of Uncertain Significance.

NM_001029896.2(WDR45):c.773A>C (p.Lys258Thr)

Gene: WDR45 (WD repeat domain 45; minus strand). Cytogenetic location: Xp11.23.
Variant type: single nucleotide variant.
Coding change: c.773A>C on transcript NM_001029896.2 (MANE Select); coding-DNA position 773, A replaced by C.
Protein change: p.Lys258Thr; replaces lysine 258 with threonine.
Molecular consequence: missense variant.
Genome position (GRCh38, 1-based): chrX:49,075,418, T>G on the plus strand (A>C on the coding strand, the complement: WDR45 is on the minus strand). VCF-style: chrX-49075418-T-G. GRCh37 (hg19) VCF-style: chrX-48933077-T-G.
Other names: c.776A>C, p.Lys259Thr (NM_007075.4); short protein forms K258T, K259T.
Identifiers: ClinVar variation 933789 (VCV000933789.9), dbSNP rs2065031040, ClinGen allele CA412942887.